The following is an entry in ClinVar:

NM_005559.4(LAMA1):c.1769C>T (p.Thr590Met)

Gene: LAMA1 (laminin subunit alpha 1; minus strand). Cytogenetic location: 18p11.31.
Variant type: single nucleotide variant.
Coding change: c.1769C>T on transcript NM_005559.4 (MANE Select); coding-DNA position 1769, C replaced by T.
Protein change: p.Thr590Met; replaces threonine 590 with methionine.
Molecular consequence: missense variant.
Genome position (GRCh38, 1-based): chr18:7,036,057, G>A on the plus strand (C>T on the coding strand, the complement: LAMA1 is on the minus strand). VCF-style: chr18-7036057-G-A. GRCh37 (hg19) VCF-style: chr18-7036056-G-A.
Other names: c.1769C>T (NM_005559.3); short protein forms T590M.
Identifiers: ClinVar variation 1499638 (VCV001499638.9), dbSNP rs758586817, ClinGen allele CA8882875.

ClinVar aggregate classification (germline): Uncertain significance. Review status: criteria provided, multiple submitters, no conflicts (2 of 4 stars). 2 submissions from 2 submitters: Uncertain significance (2). Last evaluated 2023-08-17.

Conditions:
Inborn genetic diseases. Identifiers: MedGen C0950123, MeSH D030342.

gnomAD v4.1: 27 of 1,613,966 alleles (0.0017%); highest among the groups gnomAD compares: Admixed American, 0.0033%; no homozygotes.

Submissions (2):

Labcorp Genetics (formerly Invitae), Labcorp
Classification: Uncertain significance. Last evaluated: 2023-08-17. Review status: criteria provided, single submitter. Criteria: Invitae Variant Classification Sherloc (09022015). Collection method: clinical testing. Allele origin: germline.
Comment: ClinVar contains an entry for this variant (Variation ID: 1499638). This sequence change replaces threonine, which is neutral and polar, with methionine, which is neutral and non-polar, at codon 590 of the LAMA1 protein (p.Thr590Met). This variant is present in population databases (rs758586817, gnomAD 0.003%). This variant has not been reported in the literature in individuals affected with LAMA1-related conditions. An algorithm developed to predict the effect of missense changes on protein structure and function (PolyPhen-2) suggests that this variant is likely to be disruptive. In summary, the available evidence is currently insufficient to determine the role of this variant in disease. Therefore, it has been classified as a Variant of Uncertain Significance.

Ambry Genetics
Classification: Uncertain significance for Inborn genetic diseases. Last evaluated: 2022-08-17. Review status: criteria provided, single submitter. Criteria: Ambry Variant Classification Scheme 2023. Collection method: clinical testing. Allele origin: germline.